The following is an entry in ClinVar:

ClinVar aggregate classification (germline): Pathogenic (1 of 4 stars; one submission).

Submission:

ISCA Site 6
Classification: Pathogenic. Last evaluated: 2011-08-12. Review status: criteria provided, single submitter. Criteria: Kaminsky et al. (Genet Med. 2011). Collection method: clinical testing. Allele origin: unknown. Affected: yes. Observed: 1 variant allele.
Comment: Copy number variation identified through the course of routine clinical cytogenomic testing in postnatal populations. Clinical assertions have been curated as described in Kaminsky et al. 2011.

GRCh38/hg38 1p36.33-36.32(chr1:629044-3346226)x1

Genes: ACAP3 (ArfGAP with coiled-coil, ankyrin repeat and PH domains 3; minus strand), ACTRT2 (actin related protein T2; plus strand), AGRN (agrin; plus strand), ANKRD65 (ankyrin repeat domain 65; minus strand), ANKRD65-AS1 (ANKRD65 antisense RNA 1; plus strand) and 279 more. Cytogenetic location: 1p36.33-36.32.
Variant type: copy number loss.
Change: copy number 1 (one copy instead of two) of chr1:629,044-3,346,226 (2.72 Mb, GRCh38 coordinates, 1-based), cytogenetic band 1p36.33-36.32.
Identifiers: ClinVar variation 58243 (VCV000058243.2).